The following is an entry in ClinVar:

NM_138927.4(SON):c.5019C>A (p.Asn1673Lys)

Gene: SON (SON DNA and RNA binding protein; plus strand). Cytogenetic location: 21q22.11.
Variant type: single nucleotide variant.
Coding change: c.5019C>A on transcript NM_138927.4 (MANE Select); coding-DNA position 5019, C replaced by A.
Protein change: p.Asn1673Lys; replaces asparagine 1673 with lysine.
Molecular consequence: missense variant. On other transcripts: non-coding transcript variant (1), intron variant (1).
Genome position (GRCh38, 1-based): chr21:33,554,250, C>A. VCF-style: chr21-33554250-C-A. GRCh37 (hg19) VCF-style: chr21-34926556-C-A.
Other names: c.5019C>A, p.Asn1673Lys (NM_001291411.2, NM_001412133.1, NM_032195.3 and 2 more transcripts); c.245-2906C>A (NM_001291412.3); short protein forms N1673K.
Identifiers: ClinVar variation 2013573 (VCV002013573.4), dbSNP rs2517386770, ClinGen allele CA410163879.

ClinVar aggregate classification (germline): Uncertain significance (1 of 4 stars; one submission).

Submission:

Labcorp Genetics (formerly Invitae), Labcorp
Classification: Uncertain significance. Last evaluated: 2024-01-22. Review status: criteria provided, single submitter. Criteria: Invitae Variant Classification Sherloc (09022015). Collection method: clinical testing. Allele origin: germline.
Comment: This sequence change replaces asparagine, which is neutral and polar, with lysine, which is basic and polar, at codon 1673 of the SON protein (p.Asn1673Lys). This variant is not present in population databases (gnomAD no frequency). This variant has not been reported in the literature in individuals affected with SON-related conditions. ClinVar contains an entry for this variant (Variation ID: 2013573). An algorithm developed to predict the effect of missense changes on protein structure and function (PolyPhen-2) suggests that this variant is likely to be disruptive. In summary, the available evidence is currently insufficient to determine the role of this variant in disease. Therefore, it has been classified as a Variant of Uncertain Significance.